The following is an entry in ClinVar:

ClinVar aggregate classification (germline): Uncertain significance (1 of 4 stars; one submission).

Conditions:
Arrhythmogenic right ventricular cardiomyopathy (ARVD). Also called: Arrhythmogenic right ventricular dysplasia; Cardiomyopathy, ARVC; Arrhythmogenic cardiomyopathy; Arrhythmogenic Right Ventricular Cardiomyopathy (ARVC). Identifiers: Orphanet 247, MedGen C0349788, MeSH D019571, MONDO:0016587. Disease mechanism: loss of function. Inheritance: Various modes of inheritance.

Allele frequency attached by ClinVar (database versions not stated): gnomAD exomes below 0.00001.
gnomAD v4.1: 1 of 1,572,074 alleles (0.000064%); highest among the groups gnomAD compares: Non-Finnish European, 0.000087%; no homozygotes.

Submission:

All of Us Research Program, National Institutes of Health
Classification: Uncertain significance for Arrhythmogenic right ventricular cardiomyopathy. Last evaluated: 2024-01-11. Review status: criteria provided, single submitter. Criteria: ACMG Guidelines, 2015. Collection method: clinical testing. Allele origin: germline. Inheritance: Autosomal dominant inheritance. Observed: 2 variant alleles, 2 heterozygotes.
Comment: This variant is located in the PKP2 protein. To our knowledge, functional studies have not been reported for this variant. This variant has not been reported in individuals affected with PKP2-related disorders in the literature. This variant has been identified in 1/251412 chromosomes in the general population by the Genome Aggregation Database (gnomAD). The available evidence is insufficient to determine the role of this variant in disease conclusively. Therefore, this variant is classified as a Variant of Uncertain Significance.

This study involves interpretation of variants in research participants for the purpose of population health screening. Participant phenotype was not available at the time of variant classification. Additional details can be found in publication PMID: 35346344, PMCID: PMC8962531

NM_001005242.3(PKP2):c.321C>G (p.Thr107=)

Gene: PKP2 (plakophilin 2; minus strand). Cytogenetic location: 12p11.21.
Variant type: single nucleotide variant.
Coding change: c.321C>G on transcript NM_001005242.3 (MANE Select); coding-DNA position 321, C replaced by G.
Protein change: p.Thr107=; no amino-acid change (threonine 107 retained).
Molecular consequence: synonymous variant. On other transcripts: 5 prime UTR variant (4).
Genome position (GRCh38, 1-based): chr12:32,878,935, G>C on the plus strand (C>G on the coding strand, the complement: PKP2 is on the minus strand). VCF-style: chr12-32878935-G-C. GRCh37 (hg19) VCF-style: chr12-33031869-G-C.
Other names: c.-7C>G (NM_001407162.1, NM_001407158.1, NM_001407159.1 and 1 more transcripts); c.321C>G, p.Thr107= (NM_004572.4, NM_001407155.1, NM_001407156.1 and 2 more transcripts).
Identifiers: ClinVar variation 3069491 (VCV003069491.1), dbSNP rs1287313743, ClinGen allele CA479174945.